The following is an entry in ClinVar:

ClinVar aggregate classification (germline): Pathogenic (1 of 4 stars; one submission).

Conditions:
Glycogen storage disease IXb (GSD9B). Also called: PHOSPHORYLASE KINASE DEFICIENCY OF LIVER AND MUSCLE, AUTOSOMAL RECESSIVE; GLYCOGENOSIS OF LIVER AND MUSCLE, AUTOSOMAL RECESSIVE; GSD IXb. Identifiers: Orphanet 79240, MedGen C0543514, MONDO:0009868, OMIM 261750.

Allele frequency attached by ClinVar (database versions not stated): gnomAD exomes 0.00002; ExAC 0.00004.
gnomAD v4.1: 10 of 1,608,842 alleles (0.00062%); highest among the groups gnomAD compares: Non-Finnish European, 0.00077%; no homozygotes.

Submission:

Labcorp Genetics (formerly Invitae), Labcorp
Classification: Pathogenic for Glycogen storage disease IXb. Last evaluated: 2024-09-13. Review status: criteria provided, single submitter. Criteria: Invitae Variant Classification Sherloc (09022015). Collection method: clinical testing. Allele origin: germline.
Comment: This sequence change creates a premature translational stop signal (p.Glu976*) in the PHKB gene. It is expected to result in an absent or disrupted protein product. Loss-of-function variants in PHKB are known to be pathogenic (PMID: 9215682, 9326319). This variant is present in population databases (rs199948078, gnomAD 0.004%). This variant has not been reported in the literature in individuals affected with PHKB-related conditions. For these reasons, this variant has been classified as Pathogenic.

Literature cited by the submitters: PubMed 9215682; PubMed 9326319.

NM_000293.3(PHKB):c.2926G>T (p.Glu976Ter)

Gene: PHKB (phosphorylase kinase regulatory subunit beta; plus strand). Cytogenetic location: 16q12.1.
Variant type: single nucleotide variant.
Coding change: c.2926G>T on transcript NM_000293.3 (MANE Select); coding-DNA position 2926, G replaced by T.
Protein change: p.Glu976Ter; replaces glutamic acid 976 with a stop codon.
Molecular consequence: nonsense.
Genome position (GRCh38, 1-based): chr16:47,696,411, G>T. VCF-style: chr16-47696411-G-T. GRCh37 (hg19) VCF-style: chr16-47730322-G-T.
Other names: E975*; c.2905G>T, p.Glu969Ter (NM_001031835.3); c.2926G>T, p.Glu976Ter (NM_001363837.1); short protein forms E976*, E969*.
Identifiers: ClinVar variation 242718 (VCV000242718.3), dbSNP rs199948078.